The following is an entry in ClinVar:

NM_152490.5(B3GALNT2):c.182G>A (p.Arg61His)

Gene: B3GALNT2 (beta-1,3-N-acetylgalactosaminyltransferase 2; minus strand). Cytogenetic location: 1q42.3.
Variant type: single nucleotide variant.
Coding change: c.182G>A on transcript NM_152490.5 (MANE Select); coding-DNA position 182, G replaced by A.
Protein change: p.Arg61His; replaces arginine 61 with histidine.
Molecular consequence: missense variant.
Genome position (GRCh38, 1-based): chr1:235,494,759, C>T on the plus strand (G>A on the coding strand, the complement: B3GALNT2 is on the minus strand). VCF-style: chr1-235494759-C-T. GRCh37 (hg19) VCF-style: chr1-235658069-C-T.
Other names: c.305G>A, p.Arg102His (NM_001277155.3); short protein forms R61H, R102H.
Identifiers: ClinVar variation 2068154 (VCV002068154.4), dbSNP rs779487372, ClinGen allele CA1464988.
Genomic context (GRCh38, chr1:235,494,759, plus strand): 5'-TGCTGTAGCAAATGTCTCATCCAGGTGCTTCTTATCACGTTTCGAAGTTCATGGTTATTG[C>T]GAGCTGACAACACGCCAACTACCACATCATAGTGAGTAGATTTCCACTGAGGAAATAAGG-3'
Protein context (NP_689703.1, residues 51-71): YDVVVGVLSA[Arg61His]NNHELRNVIR

ClinVar aggregate classification (germline): Uncertain significance (1 of 4 stars; one submission).

Conditions:
Muscular dystrophy-dystroglycanopathy (congenital with brain and eye anomalies), type a, 11 (MDDGA11). Also called: WALKER-WARBURG SYNDROME OR MUSCLE-EYE-BRAIN DISEASE, B3GALNT2-RELATED; Congenital muscular dystrophy-dystroglycanopathy with brain and eye anomalies, type A11; Muscular dystrophy-dystroglycanopathy (congenital with brain and eye anomalies, type A, 11. Identifiers: Orphanet 588, Orphanet 899, MedGen C3554638, MONDO:0014071, OMIM 615181.

Allele frequency attached by ClinVar (database versions not stated): gnomAD 0.00001; gnomAD exomes 0.00001; TOPMed 0.00001; ExAC 0.00001.
gnomAD v4.1: 22 of 1,611,728 alleles (0.0014%); highest among the groups gnomAD compares: East Asian, 0.0067%; no homozygotes.

Submission:

Labcorp Genetics (formerly Invitae), Labcorp
Classification: Uncertain significance for Muscular dystrophy-dystroglycanopathy (congenital with brain and eye anomalies), type a, 11. Last evaluated: 2024-05-06. Review status: criteria provided, single submitter. Criteria: Invitae Variant Classification Sherloc (09022015). Collection method: clinical testing. Allele origin: germline.
Comment: This sequence change replaces arginine, which is basic and polar, with histidine, which is basic and polar, at codon 61 of the B3GALNT2 protein (p.Arg61His). This variant is present in population databases (rs779487372, gnomAD 0.005%). This variant has not been reported in the literature in individuals affected with B3GALNT2-related conditions. ClinVar contains an entry for this variant (Variation ID: 2068154). Advanced modeling of protein sequence and biophysical properties (such as structural, functional, and spatial information, amino acid conservation, physicochemical variation, residue mobility, and thermodynamic stability) has been performed at Invitae for this missense variant, however the output from this modeling did not meet the statistical confidence thresholds required to predict the impact of this variant on B3GALNT2 protein function. In summary, the available evidence is currently insufficient to determine the role of this variant in disease. Therefore, it has been classified as a Variant of Uncertain Significance.